The following is an entry in ClinVar:

ClinVar aggregate classification (germline): Conflicting classifications of pathogenicity. Review status: criteria provided, conflicting classifications (1 of 4 stars). 3 submissions from 3 submitters: Pathogenic (1); Likely pathogenic (1); Uncertain significance (1). Last evaluated 2024-10-18.

Conditions:
EXT1-related disorder. Also called: EXT1-related condition.
Multiple congenital exostosis (EXT). Also called: Hereditary multiple osteochondromas; Multiple exostoses; MULTIPLE CARTILAGINOUS EXOSTOSES; Hereditary multiple exostoses; Hereditary multiple exostosis; Multiple osteochondromas. Identifiers: Orphanet 321, MedGen C0015306, MONDO:0005508, HP:0002762.
EXT1-related disorders.

gnomAD v4.1: 2 of 1,614,138 alleles (0.00012%); no homozygotes.

Submissions (3):

PreventionGenetics, part of Exact Sciences
Classification: Uncertain significance for EXT1-related condition. Last evaluated: 2024-10-18. Review status: criteria provided, single submitter. Criteria: ACMG Guidelines, 2015. Collection method: clinical testing. Allele origin: germline.
Comment: The EXT1 c.593G>T variant is predicted to result in the amino acid substitution p.Gly198Val. To our knowledge, this variant has not been reported in the literature or in a large population database (gnomAD), indicating this variant is rare. At this time, the clinical significance of this variant is uncertain due to the absence of conclusive functional and genetic evidence.

Labcorp Genetics (formerly Invitae), Labcorp
Classification: Pathogenic for Multiple congenital exostosis. Last evaluated: 2022-12-02. Review status: criteria provided, single submitter. Criteria: Invitae Variant Classification Sherloc (09022015). Collection method: clinical testing. Allele origin: germline.
Comment: This variant is not present in population databases (gnomAD no frequency). For these reasons, this variant has been classified as Pathogenic. Advanced modeling of protein sequence and biophysical properties (such as structural, functional, and spatial information, amino acid conservation, physicochemical variation, residue mobility, and thermodynamic stability) performed at Invitae indicates that this missense variant is expected to disrupt EXT1 protein function. ClinVar contains an entry for this variant (Variation ID: 934164). This missense change has been observed in individual(s) with clinical features of hereditary multiple osteochondromas (Invitae). This sequence change replaces glycine, which is neutral and non-polar, with valine, which is neutral and non-polar, at codon 198 of the EXT1 protein (p.Gly198Val).

Blueprint Genetics
Classification: Likely pathogenic for EXT1-related disorders. Last evaluated: 2020-12-12. Review status: criteria provided, single submitter. Criteria: ACMG Guidelines, 2015. Collection method: clinical testing. Allele origin: germline. Affected: yes. Observed: 2 variant alleles.

NM_000127.3(EXT1):c.593G>T (p.Gly198Val)

Gene: EXT1 (exostosin glycosyltransferase 1; minus strand). Cytogenetic location: 8q24.11.
Variant type: single nucleotide variant.
Coding change: c.593G>T on transcript NM_000127.3 (MANE Select); coding-DNA position 593, G replaced by T.
Protein change: p.Gly198Val; replaces glycine 198 with valine.
Molecular consequence: missense variant.
Genome position (GRCh38, 1-based): chr8:118,110,454, C>A on the plus strand (G>T on the coding strand, the complement: EXT1 is on the minus strand). VCF-style: chr8-118110454-C-A. GRCh37 (hg19) VCF-style: chr8-119122693-C-A.
Other names: short protein forms G198V.
Identifiers: ClinVar variation 934164 (VCV000934164.11), dbSNP rs1817876363, ClinGen allele CA371915493.
Genomic context (GRCh38, chr8:118,110,454, plus strand): 5'-TTGGCCAGCATCGCCTGGCCGATGTCAAACCCCACGTCCTCGGTGTAGTCAGGCCAAGTG[C>A]CGGAATATAAATTAAAAATTAAATGATTCCTACCATTGTTCCACAAGTGGAGACTCTGCA-3'
Protein context (NP_000118.2, residues 188-208): RNHLIFNLYS[Gly198Val]TWPDYTEDVG